The following is an entry in ClinVar:

NM_022124.6(CDH23):c.9581del (p.Glu3194fs)

Gene: CDH23 (cadherin related 23; plus strand). Cytogenetic location: 10q22.1.
Variant type: Deletion.
Coding change: c.9581del on transcript NM_022124.6 (MANE Select); coding-DNA position 9581, one base deleted (A; older notation c.9581delA).
Protein change: p.Glu3194fs; shifts the reading frame from glutamic acid 3194.
Molecular consequence: frameshift variant.
Genome position (GRCh38, 1-based): chr10:71,812,838, A deleted. VCF-style (leftmost placement, unchanged base first): chr10-71812837-GA-G. GRCh37 (hg19) VCF-style: chr10-73572594-GA-G.
Other names: c.2861del, p.Glu954fs (NM_001171933.1, NM_001171934.1); c.272del, p.Glu91fs (NM_001171935.1, NM_001171936.1); short protein forms E3194fs, E91fs, E954fs.
Identifiers: ClinVar variation 4816099 (VCV004816099.1).
Genomic context (GRCh38, chr10:71,812,837, plus strand): 5'-GGGCGTGAGCCAGCAGCTGTCAAGCCTGATGATGACCGATACCTGCGGGCTGCCATCCAG[GA>G]GTATGACAACATTGCCAAGCTGGGCCAGATCATTCGTGAGGGGCCAATCAAGGTGAGCCT-3'

ClinVar aggregate classification (germline): Likely pathogenic (1 of 4 stars; one submission).

Conditions:
Usher syndrome type 1 (USH1). Also called: RETINITIS PIGMENTOSA AND CONGENITAL DEAFNESS. Identifiers: Orphanet 231169, Orphanet 886, MedGen C1568247, MONDO:0010168, OMIM 276900.

Submission:

Natera, Inc.
Classification: Likely pathogenic for Usher syndrome type 1. Last evaluated: 2025-07-14. Review status: criteria provided, single submitter. Criteria: Natera Variant Classification Schema (03/2026). Collection method: clinical testing. Allele origin: germline.
Comment: The c.9581del variant in CDH23 is a frameshift variant predicted to shift the reading frame beginning at codon 3194 and leads to a stop codon 22 codons downstream. This variant is expected to result in nonsense mediated decay, truncation, or a dysfunctional protein product. This variant is rare in the general population with a frequency below the threshold expected for the associated phenotype(s). Given the available evidence, this variant is classified as Likely Pathogenic.